The following is an entry in ClinVar:

ClinVar aggregate classification (germline): Likely benign. Review status: criteria provided, multiple submitters, no conflicts (2 of 4 stars). 2 submissions from 2 submitters: Likely benign (2). Last evaluated 2023-01-08.

Conditions:
Hypertrophic cardiomyopathy. Also called: HYPERTROPHIC MYOCARDIOPATHY. Identifiers: Orphanet 217569, MedGen C0007194, MeSH D002312, MONDO:0005045, HP:0001639.

Allele frequency attached by ClinVar (database versions not stated): gnomAD exomes below 0.00001; ExAC 0.00001.
gnomAD v4.1: 4 of 1,614,142 alleles (0.00025%); highest among the groups gnomAD compares: Non-Finnish European, 0.00034%; no homozygotes.

Submissions (2):

Labcorp Genetics (formerly Invitae), Labcorp
Classification: Likely benign for Hypertrophic cardiomyopathy. Last evaluated: 2023-01-08. Review status: criteria provided, single submitter. Criteria: Invitae Variant Classification Sherloc (09022015). Collection method: clinical testing. Allele origin: germline.

GeneDx
Classification: Likely benign. Last evaluated: 2017-08-23. Review status: criteria provided, single submitter. Criteria: GeneDx Variant Classification (06012015). Collection method: clinical testing. Allele origin: germline. Affected: yes.
Comment: This variant is considered likely benign or benign based on one or more of the following criteria: it is a conservative change, it occurs at a poorly conserved position in the protein, it is predicted to be benign by multiple in silico algorithms, and/or has population frequency not consistent with disease.

NM_000257.4(MYH7):c.5655+9C>A

Gene: MYH7 (myosin heavy chain 7; minus strand). Cytogenetic location: 14q11.2.
Variant type: single nucleotide variant.
Coding change: c.5655+9C>A on transcript NM_000257.4 (MANE Select); 9 bases into the intron after coding-DNA position 5655, C replaced by A.
Molecular consequence: intron variant.
Genome position (GRCh38, 1-based): chr14:23,413,998, G>T on the plus strand (C>A on the coding strand, the complement: MYH7 is on the minus strand). VCF-style: chr14-23413998-G-T. GRCh37 (hg19) VCF-style: chr14-23883207-G-T.
Other names: c.5655+9C>A (LRG_384t1).
Identifiers: ClinVar variation 511623 (VCV000511623.4), dbSNP rs373707937, ClinGen allele CA047777.